The following is an entry in ClinVar:

ClinVar aggregate classification (germline): Uncertain significance. Review status: criteria provided, multiple submitters, no conflicts (2 of 4 stars). 2 submissions from 2 submitters: Uncertain significance (2). Last evaluated 2020-02-20.

Conditions:
Inborn genetic diseases. Identifiers: MedGen C0950123, MeSH D030342.
Amyotrophic lateral sclerosis type 12 (ALS12). Also called: AMYOTROPHIC LATERAL SCLEROSIS 12 WITH OR WITHOUT FRONTOTEMPORAL DEMENTIA. Identifiers: Orphanet 803, MedGen C3150692, MONDO:0013264, OMIM 613435.
Primary open angle glaucoma (POAG). Also called: OPTN-related open angle glaucoma. Identifiers: MedGen C0339573, MONDO:0100553, OMIM 137760.
Glaucoma 1, open angle, E. Identifiers: MedGen C1842026, MONDO:0007665.

Submissions (2):

Ambry Genetics
Classification: Uncertain significance for Inborn genetic diseases. Last evaluated: 2020-02-20. Review status: criteria provided, single submitter. Criteria: Ambry Variant Classification Scheme 2023. Collection method: clinical testing. Allele origin: germline.
Comment: The c.1402-3C>G intronic variant results from a C to G substitution 3 nucleotides upstream from coding exon 11 in the OPTN gene. This nucleotide position is well conserved in available vertebrate species. Using the BDGP and ESEfinder splice site prediction tools, this alteration is predicted to create a new alternate splice acceptor site; however, direct evidence is unavailable. Since supporting evidence is limited at this time, the clinical significance of this alteration remains unclear.

Labcorp Genetics (formerly Invitae), Labcorp
Classification: Uncertain significance for Primary open angle glaucoma; Glaucoma 1, open angle, E; Amyotrophic lateral sclerosis type 12. Last evaluated: 2018-11-07. Review status: criteria provided, single submitter. Criteria: Invitae Variant Classification Sherloc (09022015). Collection method: clinical testing. Allele origin: germline.
Comment: In summary, the available evidence is currently insufficient to determine the role of this variant in disease. Therefore, it has been classified as a Variant of Uncertain Significance. Nucleotide substitutions within the consensus splice site are a relatively common cause of aberrant splicing (PMID: 17576681, 9536098). Algorithms developed to predict the effect of sequence changes on RNA splicing suggest that this variant may disrupt the consensus splice site, but this prediction has not been confirmed by published transcriptional studies. This variant has not been reported in the literature in individuals with OPTN-related disease. This variant is not present in population databases (ExAC no frequency). This sequence change falls in intron 11 of the OPTN gene. It does not directly change the encoded amino acid sequence of the OPTN protein, but it affects a nucleotide within the consensus splice site of the intron.

Literature cited by the submitters: PubMed 17576681 (cited by Labcorp Genetics (formerly Invitae), Labcorp); PubMed 9536098 (cited by Labcorp Genetics (formerly Invitae), Labcorp).

NM_001008212.2(OPTN):c.1402-3C>G

Gene: OPTN (optineurin; plus strand). Cytogenetic location: 10p13.
Variant type: single nucleotide variant.
Coding change: c.1402-3C>G on transcript NM_001008212.2 (MANE Select); 3 bases into the intron before coding-DNA position 1402, C replaced by G.
Molecular consequence: intron variant.
Genome position (GRCh38, 1-based): chr10:13,132,064, C>G. VCF-style: chr10-13132064-C-G. GRCh37 (hg19) VCF-style: chr10-13174064-C-G.
Other names: c.1402-3C>G (NM_001008211.1, NM_001008213.1, NM_021980.4).
Identifiers: ClinVar variation 650247 (VCV000650247.11), dbSNP rs1588452749, ClinGen allele CA915945850.